The following is an entry in ClinVar:

NM_033215.5(PPP1R3F):c.74G>A (p.Arg25His)

Genes: PPP1R3F (protein phosphatase 1 regulatory subunit 3F; plus strand), LOC130068282 (ATAC-STARR-seq lymphoblastoid silent region 20845; plus strand). Cytogenetic location: Xp11.23.
Variant type: single nucleotide variant.
Coding change: c.74G>A on transcript NM_033215.5 (MANE Select); coding-DNA position 74, G replaced by A.
Protein change: p.Arg25His; replaces arginine 25 with histidine.
Molecular consequence: missense variant. On other transcripts: intron variant (1).
Genome position (GRCh38, 1-based): chrX:49,269,943, G>A. VCF-style: chrX-49269943-G-A. GRCh37 (hg19) VCF-style: chrX-49126406-G-A.
Other names: c.-32+10G>A (NM_001184745.2); short protein forms R25H.
Identifiers: ClinVar variation 4997933 (VCV004997933.1).

ClinVar aggregate classification (germline): Uncertain significance (1 of 4 stars; one submission).

Conditions:
PPP1R3F-related condition.

gnomAD v4.1: 4 of 873,348 alleles (0.00046%); highest among the groups gnomAD compares: South Asian, 0.006%; no homozygotes.

Submission:

PreventionGenetics, part of Exact Sciences
Classification: Uncertain significance for PPP1R3F-related condition. Last evaluated: 2025-11-19. Review status: criteria provided, single submitter. Criteria: ACMG Guidelines, 2015. Collection method: clinical testing. Allele origin: germline.
Comment: The PPP1R3F c.74G>A variant is predicted to result in the amino acid substitution p.Arg25His. To our knowledge, this variant has not been reported in the literature or in population databases. However, this variant is covered in only 345 individuals in gnomAD and population frequency may be inaccurate. In the most recent release of gnomAD (v4), this variant is reported in 0.006% of individuals of South Asian decent. At this time, the clinical significance of this variant is uncertain due to the absence of conclusive functional and genetic evidence.